The following is an entry in ClinVar:

NM_032634.4(PIGO):c.1348C>A (p.Arg450Ser)

Gene: PIGO (phosphatidylinositol glycan anchor biosynthesis class O; minus strand). Cytogenetic location: 9p13.3.
Variant type: single nucleotide variant.
Coding change: c.1348C>A on transcript NM_032634.4 (MANE Select); coding-DNA position 1348, C replaced by A.
Protein change: p.Arg450Ser; replaces arginine 450 with serine.
Molecular consequence: missense variant. On other transcripts: intron variant (2).
Genome position (GRCh38, 1-based): chr9:35,092,539, G>T on the plus strand (C>A on the coding strand, the complement: PIGO is on the minus strand). VCF-style: chr9-35092539-G-T. GRCh37 (hg19) VCF-style: chr9-35092536-G-T.
Other names: c.1344+4C>A (NM_152850.4, NM_001201484.2); short protein forms R450S.
Identifiers: ClinVar variation 4685214 (VCV004685214.1).

ClinVar aggregate classification (germline): Uncertain significance (1 of 4 stars; one submission).

Submission:

GeneDx
Classification: Uncertain significance. Last evaluated: 2025-07-10. Review status: criteria provided, single submitter. Criteria: GeneDx Variant Classification Process June 2021. Collection method: clinical testing. Allele origin: germline. Affected: yes.
Comment: Not observed at significant frequency in large population cohorts (gnomAD); In silico analysis supports a deleterious effect on splicing; In silico analysis suggests that this missense variant does not alter protein structure/function; Has not been previously published as pathogenic or benign to our knowledge